The following is an entry in ClinVar:

ClinVar aggregate classification (germline): Uncertain significance (1 of 4 stars; one submission).

Conditions:
Capillary malformation-arteriovenous malformation syndrome. Also called: Capillary malformation-arteriovenous malformation. Identifiers: Orphanet 137667, MedGen C1842180, MONDO:0012016.

Submission:

Labcorp Genetics (formerly Invitae), Labcorp
Classification: Uncertain significance for Capillary malformation-arteriovenous malformation syndrome. Last evaluated: 2022-10-25. Review status: criteria provided, single submitter. Criteria: Invitae Variant Classification Sherloc (09022015). Collection method: clinical testing. Allele origin: germline.
Comment: In summary, the available evidence is currently insufficient to determine the role of this variant in disease. Therefore, it has been classified as a Variant of Uncertain Significance. Algorithms developed to predict the effect of missense changes on protein structure and function are either unavailable or do not agree on the potential impact of this missense change (SIFT: "Tolerated"; PolyPhen-2: "Probably Damaging"; Align-GVGD: "Class C0"). This variant has not been reported in the literature in individuals affected with RASA1-related conditions. This variant is not present in population databases (gnomAD no frequency). This sequence change replaces threonine, which is neutral and polar, with asparagine, which is neutral and polar, at codon 796 of the RASA1 protein (p.Thr796Asn).

NM_002890.3(RASA1):c.2387C>A (p.Thr796Asn)

Genes: CCNH (cyclin H; minus strand), RASA1 (RAS p21 protein activator 1; plus strand). Cytogenetic location: 5q14.3.
Variant type: single nucleotide variant.
Coding change: c.2387C>A on transcript NM_002890.3 (MANE Select); coding-DNA position 2387, C replaced by A.
Protein change: p.Thr796Asn; replaces threonine 796 with asparagine.
Molecular consequence: missense variant. On other transcripts: intron variant (1).
Genome position (GRCh38, 1-based): chr5:87,378,438, C>A. VCF-style: chr5-87378438-C-A. GRCh37 (hg19) VCF-style: chr5-86674255-C-A.
Other names: c.1856C>A, p.Thr619Asn (NM_022650.3); c.933+16606G>T (NM_001364075.2); short protein forms T619N, T796N.
Identifiers: ClinVar variation 1722161 (VCV001722161.6), dbSNP rs2531355155, ClinGen allele CA360382194.
Genomic context (GRCh38, chr5:87,378,438, plus strand): 5'-ATGTAAATATTTGTGTAGATGAAGCCACTACCCTATTTCGAGCCACAACACTTGCAAGCA[C>A]CTTGATGGAGCAGTATATGAAAGCCACTGCTACACAGTTTGTTCATCATGCTTTGAAAGA-3'
Protein context (NP_002881.1, residues 786-806): TLFRATTLAS[Thr796Asn]LMEQYMKATA